The following is an entry in ClinVar:

NM_000352.6(ABCC8):c.2302C>T (p.Pro768Ser)

Genes: ABCC8 (ATP binding cassette subfamily C member 8; minus strand), LOC110121471 (VISTA enhancer hs1977; plus strand). Cytogenetic location: 11p15.1.
Variant type: single nucleotide variant.
Coding change: c.2302C>T on transcript NM_000352.6 (MANE Select); coding-DNA position 2302, C replaced by T.
Protein change: p.Pro768Ser; replaces proline 768 with serine.
Molecular consequence: missense variant. On other transcripts: non-coding transcript variant (1).
Genome position (GRCh38, 1-based): chr11:17,414,600, G>A on the plus strand (C>T on the coding strand, the complement: ABCC8 is on the minus strand). VCF-style: chr11-17414600-G-A. GRCh37 (hg19) VCF-style: chr11-17436147-G-A.
Other names: c.2305C>T, p.Pro769Ser (NM_001287174.3); c.2368C>T, p.Pro790Ser (NM_001351295.2); c.2302C>T, p.Pro768Ser (NM_001351296.2); c.2299C>T, p.Pro767Ser (NM_001351297.2); short protein forms P767S, P768S, P769S, P790S.
Identifiers: ClinVar variation 4849173 (VCV004849173.1).
Genomic context (GRCh38, chr11:17,414,600, plus strand): 5'-TGATGTTCTCCTCCACAGTGGCATTTAGCAGCCATGGTTTCTGCGAAGCATAGGCCACGG[G>A]GCCTCTCTTCCTGGAAAAAGCAGGGCGGGAGTAGGGGGTGCGGAAGGCATTCTCAGGGGC-3'
Protein context (NP_000343.2, residues 758-778): ATDLDIRKRG[Pro768Ser]VAYASQKPWL

ClinVar aggregate classification (germline): Uncertain significance (1 of 4 stars; one submission).

Submission:

Women's Health and Genetics/Laboratory Corporation of America, LabCorp
Classification: Uncertain significance. Last evaluated: 2026-04-22. Review status: criteria provided, single submitter. Criteria: LabCorp Variant Classification Summary - May 2015. Collection method: clinical testing. Allele origin: germline.
Comment: Variant summary: ABCC8 c.2302C>T (p.Pro768Ser) results in a non-conservative amino acid change in the encoded protein sequence. Algorithms developed to predict the effect of missense changes on protein structure and function are either unavailable or do not agree on the potential impact of this missense change. The variant allele was found at a frequency of 8e-06 in 251444 control chromosomes. The available data on variant occurrences in the general population are insufficient to allow any conclusion about variant significance. To our knowledge, no occurrence of c.2302C>T in individuals affected with ABCC8-related conditions and no experimental evidence demonstrating its impact on protein function have been reported. No submitters have cited clinical-significance assessments for this variant to ClinVar. Based on the evidence outlined above, the variant was classified as uncertain significance.